The following is an entry in ClinVar:

NM_002471.4(MYH6):c.4753A>T (p.Met1585Leu)

Genes: MYH6 (myosin heavy chain 6; minus strand), LOC126861896 (BRD4-independent group 4 enhancer GRCh37_chr14:23854904-23856103; plus strand). Cytogenetic location: 14q11.2.
Variant type: single nucleotide variant.
Coding change: c.4753A>T on transcript NM_002471.4 (MANE Select); coding-DNA position 4753, A replaced by T.
Protein change: p.Met1585Leu; replaces methionine 1585 with leucine.
Molecular consequence: missense variant.
Genome position (GRCh38, 1-based): chr14:23,386,521, T>A on the plus strand (A>T on the coding strand, the complement: MYH6 is on the minus strand). VCF-style: chr14-23386521-T-A. GRCh37 (hg19) VCF-style: chr14-23855730-T-A.
Other names: short protein forms M1585L.
Identifiers: ClinVar variation 1742856 (VCV001742856.2), dbSNP rs1891029019, ClinGen allele CA388992421.

ClinVar aggregate classification (germline): Uncertain significance (1 of 4 stars; one submission).

Conditions:
Cardiovascular phenotype. Identifiers: MedGen CN230736.

Allele frequency attached by ClinVar (database versions not stated): gnomAD exomes below 0.00001; TOPMed below 0.00001.

Submission:

Ambry Genetics
Classification: Uncertain significance for Cardiovascular phenotype. Last evaluated: 2023-09-22. Review status: criteria provided, single submitter. Criteria: Ambry Variant Classification Scheme 2023. Collection method: clinical testing. Allele origin: germline.
Comment: The p.M1585L variant (also known as c.4753A>T), located in coding exon 31 of the MYH6 gene, results from an A to T substitution at nucleotide position 4753. The methionine at codon 1585 is replaced by leucine, an amino acid with highly similar properties. This amino acid position is well conserved in available vertebrate species. In addition, this alteration is predicted to be tolerated by in silico analysis. Since supporting evidence is limited at this time, the clinical significance of this alteration remains unclear.